The following is an entry in ClinVar:

NM_000092.5(COL4A4):c.4214C>G (p.Pro1405Arg)

Gene: COL4A4 (collagen type IV alpha 4 chain; minus strand). Cytogenetic location: 2q36.3.
Variant type: single nucleotide variant.
Coding change: c.4214C>G on transcript NM_000092.5 (MANE Select); coding-DNA position 4214, C replaced by G.
Protein change: p.Pro1405Arg; replaces proline 1405 with arginine.
Molecular consequence: missense variant.
Genome position (GRCh38, 1-based): chr2:227,022,050, G>C on the plus strand (C>G on the coding strand, the complement: COL4A4 is on the minus strand). VCF-style: chr2-227022050-G-C. GRCh37 (hg19) VCF-style: chr2-227886766-G-C.
Other names: short protein forms P1405R.
Identifiers: ClinVar variation 4774672 (VCV004774672.1).

ClinVar aggregate classification (germline): Uncertain significance (1 of 4 stars; one submission).

Submission:

Labcorp Genetics (formerly Invitae), Labcorp
Classification: Uncertain significance. Last evaluated: 2025-06-19. Review status: criteria provided, single submitter. Criteria: Invitae Variant Classification Sherloc (09022015). Collection method: clinical testing. Allele origin: germline.
Comment: This sequence change replaces proline, which is neutral and non-polar, with arginine, which is basic and polar, at codon 1405 of the COL4A4 protein (p.Pro1405Arg). This variant is not present in population databases (gnomAD no frequency). This variant has not been reported in the literature in individuals affected with COL4A4-related conditions. Experimental studies and prediction algorithms are not available or were not evaluated, and the functional significance of this variant is currently unknown. In summary, the available evidence is currently insufficient to determine the role of this variant in disease. Therefore, it has been classified as a Variant of Uncertain Significance.